The following is an entry in ClinVar:

ClinVar aggregate classification (germline): Uncertain significance (1 of 4 stars; one submission).

Conditions:
Neurofibromatosis, type 1 (NF1). Also called: VON RECKLINGHAUSEN DISEASE; Neurofibromatosis, type I; NEUROFIBROMATOSIS, TYPE I, SOMATIC; Peripheral type neurofibromatosis. Identifiers: Orphanet 636, MedGen C0027831, MONDO:0018975, OMIM 162200. Disease mechanism: loss of function.

Submission:

Labcorp Genetics (formerly Invitae), Labcorp
Classification: Uncertain significance for Neurofibromatosis, type 1. Last evaluated: 2018-08-26. Review status: criteria provided, single submitter. Criteria: Invitae Variant Classification Sherloc (09022015). Collection method: clinical testing. Allele origin: germline.
Comment: Experimental studies and prediction algorithms are not available for this variant, and the functional significance of the affected amino acids is currently unknown. In summary, the available evidence is currently insufficient to determine the role of this variant in disease. Therefore, it has been classified as a Variant of Uncertain Significance. This variant has not been reported in the literature in individuals with NF1-related disease. This variant is not present in population databases (ExAC no frequency). This variant, c.3245_3247delGTC, results in the deletion of 2 amino acids and the insertion of 1 amino acid in the NF1 protein (p.Gly1082_Leu1083delinsVal), but otherwise preserves the integrity of the reading frame.

NM_001042492.3(NF1):c.3245_3247del (p.Gly1082_Leu1083delinsVal)

Gene: NF1 (neurofibromin 1; plus strand). Cytogenetic location: 17q11.2.
Variant type: Deletion.
Coding change: c.3245_3247del on transcript NM_001042492.3 (MANE Select); coding-DNA positions 3245 to 3247, 3 bases deleted (GTC; older notation c.3245_3247delGTC).
Protein change: p.Gly1082_Leu1083delinsVal.
Molecular consequence: inframe indel.
Genome position (GRCh38, 1-based): chr17:31,232,120-31,232,122, GTC deleted. VCF-style (leftmost placement, unchanged base first): chr17-31232119-GGTC-G. GRCh37 (hg19) VCF-style: chr17-29559137-GGTC-G.
Other names: c.3245_3247delGTC (NM_000267.3); c.3245_3247delGTC, p.Gly1082_Leu1083delinsVal (NM_000267.4).
Identifiers: ClinVar variation 646920 (VCV000646920.4), dbSNP rs1597718783, ClinGen allele CA915949873.